The following is an entry in ClinVar:

ClinVar aggregate classification (germline): Uncertain significance (1 of 4 stars; one submission).

Conditions:
Cardiomyopathy (CMYO). Also called: Cardiomyopathies. Identifiers: Orphanet 167848, MedGen C0878544, MONDO:0004994, HP:0001638. Inheritance: Various modes of inheritance.

gnomAD v4.1: 2 of 1,612,414 alleles (0.00012%); highest among the groups gnomAD compares: East Asian, 0.0045%; no homozygotes.

Submission:

Color Diagnostics, LLC DBA Color Health
Classification: Uncertain significance for Cardiomyopathy. Last evaluated: 2021-07-26. Review status: criteria provided, single submitter. Criteria: ACMG Guidelines, 2015. Collection method: clinical testing. Allele origin: germline.
Comment: This missense variant replaces alanine with proline at codon 996 of the DSP protein. Computational prediction suggests that this variant may have deleterious impact on protein structure and function (internally defined REVEL score threshold >= 0.7, PMID: 27666373). To our knowledge, functional studies have not been reported for this variant. This variant has not been reported in individuals affected with cardiovascular disorders in the literature. This variant has not been identified in the general population by the Genome Aggregation Database (gnomAD). The available evidence is insufficient to determine the role of this variant in disease conclusively. Therefore, this variant is classified as a Variant of Uncertain Significance.

NM_004415.4(DSP):c.2986G>C (p.Ala996Pro)

Gene: DSP (desmoplakin; plus strand). Cytogenetic location: 6p24.3.
Variant type: single nucleotide variant.
Coding change: c.2986G>C on transcript NM_004415.4 (MANE Select); coding-DNA position 2986, G replaced by C.
Protein change: p.Ala996Pro; replaces alanine 996 with proline.
Molecular consequence: missense variant.
Genome position (GRCh38, 1-based): chr6:7,578,464, G>C. VCF-style: chr6-7578464-G-C. GRCh37 (hg19) VCF-style: chr6-7578697-G-C.
Other names: c.2986G>C, p.Ala996Pro (NM_001008844.3, NM_001319034.2); short protein forms A996P.
Identifiers: ClinVar variation 1331877 (VCV001331877.2), dbSNP rs1254054471, ClinGen allele CA362682589.
Genomic context (GRCh38, chr6:7,578,464, plus strand): 5'-TACATAGGACTTTTTTTTTAATGCAATATCTTTTTCTTTCTTTCCTTCCTTTTCTCCAAG[G>C]CTGCAGATGTTCATGCTCGGTACATTGAACTACTTACAAGATCTGGAGACTATTACAGGT-3'
Protein context (NP_004406.2, residues 986-1006): QSPSGVILQE[Ala996Pro]ADVHARYIEL